The following is an entry in ClinVar:

ClinVar aggregate classification (germline): Conflicting classifications of pathogenicity. Review status: criteria provided, conflicting classifications (1 of 4 stars). 6 submissions from 6 submitters: Likely pathogenic (1); Uncertain significance (5). Last evaluated 2026-09-02.

Conditions:
Inborn genetic diseases. Identifiers: MedGen C0950123, MeSH D030342.
Neurodevelopmental disorder. Identifiers: MedGen C1535926, MeSH D065886, MONDO:0700092.
Neurodevelopmental disorder with dysmorphic facies and distal skeletal anomalies. Identifiers: MedGen C5231448, MONDO:0032855, OMIM 618659.

Submissions (6):

Ambry Genetics
Classification: Uncertain significance for Inborn genetic diseases. Last evaluated: 2026-09-02. Review status: criteria provided, single submitter. Criteria: Ambry Variant Classification Scheme 2023. Collection method: clinical testing. Allele origin: germline.
Comment: The c.3150dupC (p.D1051Rfs*6) alteration, located in exon 25 (coding exon 21) of the ZMIZ1 gene, consists of a duplication of C at position 3150, causing a translational frameshift with a predicted alternate stop codon after 6 amino acids. This variant is not expected to trigger nonsense-mediated mRNA decay and impacts the last 1.6% of the protein. The exact functional effect of this variant is unknown. Based on data from gnomAD, the CC allele has an overall frequency of <0.001% (1/251360) total alleles studied. The highest observed frequency was 0.001% (1/113706) of European (non-Finnish) alleles. Based on insufficient or conflicting evidence, the clinical significance of this alteration remains unclear.

Laboratorio de Genetica e Diagnostico Molecular, Hospital Israelita Albert Einstein
Classification: Uncertain significance for Neurodevelopmental disorder with dysmorphic facies and distal skeletal anomalies. Last evaluated: 2025-10-27. Review status: criteria provided, single submitter. Criteria: ACMG Guidelines, 2015. Collection method: clinical testing. Allele origin: germline. Affected: yes.
Comment: ACMG classification criteria: PVS1 moderate, PM2 supporting

Greenwood Genetic Center Diagnostic Laboratories, Greenwood Genetic Center
Classification: Uncertain significance. Last evaluated: 2025-02-17. Review status: criteria provided, single submitter. Criteria: ACMG Guidelines, 2015. Collection method: clinical testing. Allele origin: germline.
Comment: PM1, PM2

Laboratory of Molecular Genetics (Pr. Bezieau's lab), CHU de Nantes
Classification: Uncertain significance for Neurodevelopmental disorder. Last evaluated: 2023-01-10. Review status: criteria provided, single submitter. Criteria: ACMG Guidelines, 2015. Collection method: clinical testing. Allele origin: germline. Affected: yes.

Blueprint Genetics
Classification: Uncertain significance. Last evaluated: 2021-11-10. Review status: criteria provided, single submitter. Criteria: ACMG Guidelines, 2015. Collection method: clinical testing. Allele origin: germline.

Department of Clinical Genetics, Aarhus University Hospital
Classification: Likely pathogenic for Neurodevelopmental disorder with dysmorphic facies and distal skeletal anomalies. Review status: criteria provided, single submitter. Criteria: ACMG Guidelines, 2015. Collection method: clinical testing. Allele origin: de novo. Affected: yes.
Comment: The variant is predicted to introduce a frameshift in exon 25 of 25 and replace the last 16 amino acids by 6 others. The variant is not seen in the gnomAD 4.0 database. According to the ACMG guidelines, this variant is interpreted as likely pathogenic (PVS1_moderate, PM2_supporting, PS2)

NM_020338.4(ZMIZ1):c.3150dup (p.Asp1051fs)

Gene: ZMIZ1 (zinc finger MIZ-type containing 1; plus strand). Cytogenetic location: 10q22.3.
Variant type: Duplication.
Coding change: c.3150dup on transcript NM_020338.4 (MANE Select); coding-DNA position 3150, one base duplicated (C; older notation c.3150dupC).
Protein change: p.Asp1051fs; shifts the reading frame from aspartic acid 1051.
Molecular consequence: frameshift variant.
Genome position (GRCh38, 1-based): chr10:79,312,695, C duplicated; the last of 7 consecutive C bases (chr10:79,312,689-79,312,695); duplicating any one gives the same sequence. VCF-style (leftmost placement, unchanged base first): chr10-79312688-A-AC. GRCh37 (hg19) VCF-style: chr10-81072445-A-AC.
Other names: c.3150dupC (NM_020338.3); short protein forms D1051fs.
Identifiers: ClinVar variation 2627849 (VCV002627849.6), dbSNP rs762162611, ClinGen allele CA5573222.
Genomic context (GRCh38, chr10:79,312,688, plus strand): 5'-TCCTTCTTTTCCAGCTCCTTCCCGAACTCACAAATCCTGACGAGCTCCTGTCTTATCTGG[A>AC]CCCCCCCGACCTGCCGAGCAATAGTAACGATGACCTCCTGTCTCTATTTGAGAACAACTG-3'